The following is an entry in ClinVar:

NM_015443.4(KANSL1):c.3301C>T (p.Arg1101Cys)

Gene: KANSL1 (KAT8 regulatory NSL complex subunit 1). Cytogenetic location: 17q21.31.
Variant type: single nucleotide variant.
Coding change: c.3301C>T on transcript NM_015443.4 (MANE Select); coding-DNA position 3301, C replaced by T.
Protein change: p.Arg1101Cys; replaces arginine 1101 with cysteine.
Molecular consequence: missense variant.
Genome position (GRCh38, 1-based): chr17:46,031,493, G>A on the plus strand (C>T on the coding strand, the complement: KANSL1 is on the minus strand). VCF-style: chr17-46031493-G-A. GRCh37 (hg19) VCF-style: chr17-44108859-G-A.
Other names: c.3298C>T, p.Arg1100Cys (NM_001193465.2, NM_001405856.1, NM_001405857.1 and 1 more transcripts); c.3301C>T, p.Arg1101Cys (NM_001193466.2, NM_001379198.1, NM_001405854.1 and 1 more transcripts); c.3112C>T, p.Arg1038Cys (NM_001405877.1, NM_001405878.1, NM_001405875.1 and 1 more transcripts); c.3109C>T, p.Arg1037Cys (NM_001405879.1, NM_001405880.1); c.3064C>T, p.Arg1022Cys (NM_001405881.1); c.2035C>T, p.Arg679Cys (NM_001405882.1); c.2032C>T, p.Arg678Cys (NM_001405883.1); c.1846C>T, p.Arg616Cys (NM_001405884.1); and 4 more; short protein forms R1057C, R1100C, R616C, R678C, R679C, R1022C, R1037C, R1066C.
Identifiers: ClinVar variation 2710685 (VCV002710685.3), dbSNP rs1372183525, ClinGen allele CA399985452.

ClinVar aggregate classification (germline): Uncertain significance (1 of 4 stars; one submission).

Conditions:
Koolen-de Vries syndrome (KDVS). Identifiers: Orphanet 96169, MedGen C1864871, MONDO:0012496, OMIM 610443.

Allele frequency attached by ClinVar (database versions not stated): TOPMed below 0.00001; gnomAD 0.00001.
gnomAD v4.1: 3 of 1,611,804 alleles (0.00019%); highest among the groups gnomAD compares: Admixed American, 0.0017%; no homozygotes.

Submission:

Labcorp Genetics (formerly Invitae), Labcorp
Classification: Uncertain significance for Koolen-de Vries syndrome. Last evaluated: 2023-07-09. Review status: criteria provided, single submitter. Criteria: Invitae Variant Classification Sherloc (09022015). Collection method: clinical testing. Allele origin: germline.
Comment: This sequence change replaces arginine, which is basic and polar, with cysteine, which is neutral and slightly polar, at codon 1101 of the KANSL1 protein (p.Arg1101Cys). The frequency data for this variant in the population databases is considered unreliable, as metrics indicate poor data quality at this position in the gnomAD database. This missense change has been observed in individual(s) with a neurodevelopmental disorder (PMID: 33004838). An algorithm developed to predict the effect of missense changes on protein structure and function (PolyPhen-2) suggests that this variant is likely to be disruptive. In summary, the available evidence is currently insufficient to determine the role of this variant in disease. Therefore, it has been classified as a Variant of Uncertain Significance.

Literature cited by the submitters: PubMed 33004838.